The following is an entry in ClinVar:

NM_001194998.2(CEP152):c.343C>T (p.Arg115Ter)

Gene: CEP152 (centrosomal protein 152; minus strand). Cytogenetic location: 15q21.1.
Variant type: single nucleotide variant.
Coding change: c.343C>T on transcript NM_001194998.2 (MANE Select); coding-DNA position 343, C replaced by T.
Protein change: p.Arg115Ter; replaces arginine 115 with a stop codon.
Molecular consequence: nonsense.
Genome position (GRCh38, 1-based): chr15:48,797,498, G>A on the plus strand (C>T on the coding strand, the complement: CEP152 is on the minus strand). VCF-style: chr15-48797498-G-A. GRCh37 (hg19) VCF-style: chr15-49089695-G-A.
Other names: c.343C>T, p.Arg115Ter (NM_014985.4); short protein forms R115*.
Identifiers: ClinVar variation 931704 (VCV000931704.8), dbSNP rs995036419, ClinGen allele CA269573763.

ClinVar aggregate classification (germline): Pathogenic/Likely pathogenic. Review status: criteria provided, multiple submitters, no conflicts (2 of 4 stars). 3 submissions from 3 submitters: Pathogenic (2); Likely pathogenic (1). Last evaluated 2024-06-05.

Conditions:
Seckel syndrome 5 (SCKL5). Identifiers: Orphanet 808, MedGen C3151187, MONDO:0013443, OMIM 613823.
Microcephaly 9, primary, autosomal recessive. Identifiers: Orphanet 2512, MedGen C3553886, MONDO:0013923, OMIM 614852.

Allele frequency attached by ClinVar (database versions not stated): gnomAD exomes below 0.00001 and 0.00001; gnomAD 0.00001; TOPMed 0.00003.

Submissions (3):

Fulgent Genetics
Classification: Pathogenic for Seckel syndrome 5; Microcephaly 9, primary, autosomal recessive. Last evaluated: 2024-06-05. Review status: criteria provided, single submitter. Criteria: ACMG Guidelines, 2015. Collection method: clinical testing. Allele origin: germline.

Labcorp Genetics (formerly Invitae), Labcorp
Classification: Pathogenic. Last evaluated: 2024-03-05. Review status: criteria provided, single submitter. Criteria: Invitae Variant Classification Sherloc (09022015). Collection method: clinical testing. Allele origin: germline.
Comment: This sequence change creates a premature translational stop signal (p.Arg115*) in the CEP152 gene. It is expected to result in an absent or disrupted protein product. Loss-of-function variants in CEP152 are known to be pathogenic (PMID: 21131973). This variant is present in population databases (no rsID available, gnomAD 0.003%). This variant has not been reported in the literature in individuals affected with CEP152-related conditions. ClinVar contains an entry for this variant (Variation ID: 931704). For these reasons, this variant has been classified as Pathogenic.

Centre for Mendelian Genomics, University Medical Centre Ljubljana
Classification: Likely pathogenic for Seckel syndrome 5. Last evaluated: 2019-09-30. Review status: criteria provided, single submitter. Criteria: ACMG Guidelines, 2015. Collection method: clinical testing. Allele origin: unknown. Affected: yes.
Comment: This variant was classified as: Likely pathogenic. The following ACMG criteria were applied in classifying this variant: PVS1,PM2.

Literature cited by the submitters: PubMed 21131973 (cited by Labcorp Genetics (formerly Invitae), Labcorp).